The following is an entry in ClinVar:

NM_001042492.3(NF1):c.7144T>A (p.Phe2382Ile)

Gene: NF1 (neurofibromin 1; plus strand). Cytogenetic location: 17q11.2.
Variant type: single nucleotide variant.
Coding change: c.7144T>A on transcript NM_001042492.3 (MANE Select); coding-DNA position 7144, T replaced by A.
Protein change: p.Phe2382Ile; replaces phenylalanine 2382 with isoleucine.
Molecular consequence: missense variant.
Genome position (GRCh38, 1-based): chr17:31,343,090, T>A. VCF-style: chr17-31343090-T-A. GRCh37 (hg19) VCF-style: chr17-29670108-T-A.
Other names: c.7081T>A, p.Phe2361Ile (NM_000267.4); short protein forms F2361I, F2382I.
Identifiers: ClinVar variation 1000664 (VCV001000664.5), dbSNP rs2069868688, ClinGen allele CA399015685.

ClinVar aggregate classification (germline): Uncertain significance (1 of 4 stars; one submission).

Conditions:
Neurofibromatosis, type 1 (NF1). Also called: NEUROFIBROMATOSIS, TYPE I, SOMATIC; Peripheral type neurofibromatosis; VON RECKLINGHAUSEN DISEASE; Neurofibromatosis, type I. Identifiers: Orphanet 636, MedGen C0027831, MONDO:0018975, OMIM 162200. Disease mechanism: loss of function.

Submission:

Labcorp Genetics (formerly Invitae), Labcorp
Classification: Uncertain significance for Neurofibromatosis, type 1. Last evaluated: 2024-05-02. Review status: criteria provided, single submitter. Criteria: Invitae Variant Classification Sherloc (09022015). Collection method: clinical testing. Allele origin: germline.
Comment: This sequence change replaces phenylalanine, which is neutral and non-polar, with isoleucine, which is neutral and non-polar, at codon 2361 of the NF1 protein (p.Phe2361Ile). This variant is not present in population databases (gnomAD no frequency). This variant has not been reported in the literature in individuals affected with NF1-related conditions. ClinVar contains an entry for this variant (Variation ID: 1000664). Advanced modeling of protein sequence and biophysical properties (such as structural, functional, and spatial information, amino acid conservation, physicochemical variation, residue mobility, and thermodynamic stability) performed at Invitae indicates that this missense variant is expected to disrupt NF1 protein function with a positive predictive value of 95%. In summary, the available evidence is currently insufficient to determine the role of this variant in disease. Therefore, it has been classified as a Variant of Uncertain Significance.